The following is an entry in ClinVar:

NM_000138.5(FBN1):c.6186T>G (p.Tyr2062Ter)

Gene: FBN1 (fibrillin 1; minus strand). Cytogenetic location: 15q21.1.
Variant type: single nucleotide variant.
Coding change: c.6186T>G on transcript NM_000138.5 (MANE Select); coding-DNA position 6186, T replaced by G.
Protein change: p.Tyr2062Ter; replaces tyrosine 2062 with a stop codon.
Molecular consequence: nonsense.
Genome position (GRCh38, 1-based): chr15:48,437,895, A>C on the plus strand (T>G on the coding strand, the complement: FBN1 is on the minus strand). VCF-style: chr15-48437895-A-C. GRCh37 (hg19) VCF-style: chr15-48730092-A-C.
Other names: short protein forms Y2062*.
Identifiers: ClinVar variation 280057 (VCV000280057.3), dbSNP rs764144407, ClinGen allele CA10603440.
Genomic context (GRCh38, chr15:48,437,895, plus strand): 5'-TTCCTGCTTGGAGTGATTTCTGGATTTGGGTGATGAACACTTTCCTCCTTCAAACTTCGC[A>C]TAACAGTAGCTCATTCGCAAATCTGCAGCATAAATTTATGACACCCTTCAGTTGCTTTCC-3'

ClinVar aggregate classification (germline): Pathogenic. Review status: criteria provided, multiple submitters, no conflicts (2 of 4 stars). 2 submissions from 2 submitters: Pathogenic (2). Last evaluated 2025-02-15.

Conditions:
Marfan syndrome (MFS). Also called: Marfan syndrome type 1; Marfan's syndrome; MARFAN SYNDROME, TYPE I; Marfan syndrome, classic; FBN1-Related Marfan Syndrome. Identifiers: Orphanet 284963, Orphanet 558, MedGen C0024796, MONDO:0007947, OMIM 154700.
Familial thoracic aortic aneurysm and aortic dissection (TAAD). Also called: Thoracic aortic aneurysms and dissections. Identifiers: Orphanet 91387, MedGen C4707243, MONDO:0019625.

Submissions (2):

Labcorp Genetics (formerly Invitae), Labcorp
Classification: Pathogenic for Marfan syndrome; Familial thoracic aortic aneurysm and aortic dissection. Last evaluated: 2025-02-15. Review status: criteria provided, single submitter. Criteria: Invitae Variant Classification Sherloc (09022015). Collection method: clinical testing. Allele origin: germline.
Comment: This sequence change creates a premature translational stop signal (p.Tyr2062*) in the FBN1 gene. It is expected to result in an absent or disrupted protein product. Loss-of-function variants in FBN1 are known to be pathogenic (PMID: 17657824, 19293843). This variant is not present in population databases (gnomAD no frequency). This premature translational stop signal has been observed in individual(s) with FBN1-related conditions (PMID: 25101912). ClinVar contains an entry for this variant (Variation ID: 280057). Algorithms developed to predict the effect of sequence changes on RNA splicing suggest that this variant may disrupt the consensus splice site. For these reasons, this variant has been classified as Pathogenic.

GeneDx
Classification: Pathogenic. Last evaluated: 2016-09-23. Review status: criteria provided, single submitter. Criteria: GeneDx Variant Classification (06012015). Collection method: clinical testing. Allele origin: germline. Affected: yes.
Comment: This individual had a history of aortic dilatation and dissection, several systemic features, and multiple affected family members (Baudhuin et al., 2015), although segregation data was not available. Y2062X is predicted to cause loss of normal protein function either by protein truncation or nonsense-mediated mRNA decay. Multiple other nonsense variants in the FBN1 gene have been reported in HGMD in association with FBN1-related disorders, including Marfan syndrome (Stenson et al., 2014). Furthermore, the Y2062X pathogenic variant was not observed in approximately 6,500 individuals of European and African American ancestry in the NHLBI Exome Sequencing Project, indicating it is not a common benign variant in these populations. In summary, Y2062X in the FBN1 gene is interpreted as a pathogenic variant.

Literature cited by the submitters: PubMed 17657824 (cited by Labcorp Genetics (formerly Invitae), Labcorp); PubMed 19293843 (cited by Labcorp Genetics (formerly Invitae), Labcorp); PubMed 25101912 (cited by Labcorp Genetics (formerly Invitae), Labcorp).